The following is an entry in ClinVar:

ClinVar aggregate classification (germline): Uncertain significance. Review status: criteria provided, multiple submitters, no conflicts (2 of 4 stars). 3 submissions from 3 submitters: Uncertain significance (3). Last evaluated 2025-12-09.

Conditions:
Inborn genetic diseases. Identifiers: MedGen C0950123, MeSH D030342.
Leukodystrophy, hypomyelinating, 9. Identifiers: Orphanet 438114, MedGen C4015323, MONDO:0014506, OMIM 616140.

Allele frequency attached by ClinVar (database versions not stated): ExAC 0.00002; gnomAD exomes 0.00002; TOPMed 0.00005.
gnomAD v4.1: 129 of 1,592,760 alleles (0.0081%); highest among the groups gnomAD compares: Non-Finnish European, 0.011%; no homozygotes.

Submissions (3):

Ambry Genetics
Classification: Uncertain significance for Inborn genetic diseases. Last evaluated: 2025-12-09. Review status: criteria provided, single submitter. Criteria: Ambry Variant Classification Scheme 2023. Collection method: clinical testing. Allele origin: germline.

Labcorp Genetics (formerly Invitae), Labcorp
Classification: Uncertain significance. Last evaluated: 2022-11-01. Review status: criteria provided, single submitter. Criteria: Invitae Variant Classification Sherloc (09022015). Collection method: clinical testing. Allele origin: germline.
Comment: In summary, the available evidence is currently insufficient to determine the role of this variant in disease. Therefore, it has been classified as a Variant of Uncertain Significance. Advanced modeling of protein sequence and biophysical properties (such as structural, functional, and spatial information, amino acid conservation, physicochemical variation, residue mobility, and thermodynamic stability) performed at Invitae indicates that this missense variant is not expected to disrupt RARS protein function. ClinVar contains an entry for this variant (Variation ID: 1030600). This variant has not been reported in the literature in individuals affected with RARS-related conditions. This variant is present in population databases (rs773197957, gnomAD 0.006%). This sequence change replaces threonine, which is neutral and polar, with serine, which is neutral and polar, at codon 606 of the RARS protein (p.Thr606Ser).

Baylor Genetics
Classification: Uncertain significance for Leukodystrophy, hypomyelinating, 9. Last evaluated: 2020-10-19. Review status: criteria provided, single submitter. Criteria: ACMG Guidelines, 2015. Collection method: clinical testing. Allele origin: unknown. Affected: yes.
Comment: This variant was determined to be of uncertain significance according to ACMG Guidelines, 2015 [PMID:25741868].

NM_002887.4(RARS1):c.1816A>T (p.Thr606Ser)

Gene: RARS1 (arginyl-tRNA synthetase 1; plus strand). Cytogenetic location: 5q34.
Variant type: single nucleotide variant.
Coding change: c.1816A>T on transcript NM_002887.4 (MANE Select); coding-DNA position 1816, A replaced by T.
Protein change: p.Thr606Ser; replaces threonine 606 with serine.
Molecular consequence: missense variant.
Genome position (GRCh38, 1-based): chr5:168,518,005, A>T. VCF-style: chr5-168518005-A-T. GRCh37 (hg19) VCF-style: chr5-167945010-A-T.
Other names: short protein forms T606S.
Identifiers: ClinVar variation 1030600 (VCV001030600.9), dbSNP rs773197957, ClinGen allele CA3550015.